The following is an entry in ClinVar:

ClinVar aggregate classification (germline): Benign/Likely benign. Review status: criteria provided, multiple submitters, no conflicts (2 of 4 stars). 3 submissions from 3 submitters: Benign (1); Likely benign (2). Last evaluated 2025-09-05.

Conditions:
Tuberous sclerosis 2 (TSC2). Identifiers: Orphanet 805, MedGen C1860707, MONDO:0013199, OMIM 613254.
Hereditary cancer-predisposing syndrome. Also called: Neoplastic Syndromes, Hereditary; Hereditary neoplastic syndrome; Tumor predisposition; Hereditary Cancer Syndrome. Identifiers: Orphanet 140162, MedGen C0027672, MeSH D009386, MONDO:0015356.

Submissions (3):

Labcorp Genetics (formerly Invitae), Labcorp
Classification: Likely benign for Tuberous sclerosis 2. Last evaluated: 2025-09-05. Review status: criteria provided, single submitter. Criteria: Invitae Variant Classification Sherloc (09022015). Collection method: clinical testing. Allele origin: germline.

Myriad Genetics, Inc.
Classification: Benign for Tuberous sclerosis 2. Last evaluated: 2025-06-04. Review status: criteria provided, single submitter. Criteria: Myriad Autosomal Dominant, Autosomal Recessive and X-Linked Classification Criteria (2023). Collection method: clinical testing. Allele origin: unknown.
Comment: This variant is considered benign. This variant is a silent/synonymous amino acid change and it is not expected to impact splicing.

Ambry Genetics
Classification: Likely benign for Hereditary cancer-predisposing syndrome. Last evaluated: 2024-12-12. Review status: criteria provided, single submitter. Criteria: Ambry Variant Classification Scheme 2023. Collection method: clinical testing. Allele origin: germline.

NM_000548.5(TSC2):c.4723C>T (p.Leu1575=)

Gene: TSC2 (TSC complex subunit 2; plus strand). Cytogenetic location: 16p13.3.
Variant type: single nucleotide variant.
Coding change: c.4723C>T on transcript NM_000548.5 (MANE Select); coding-DNA position 4723, C replaced by T.
Protein change: p.Leu1575=; no amino-acid change (leucine 1575 retained).
Molecular consequence: synonymous variant.
Genome position (GRCh38, 1-based): chr16:2,086,253, C>T. VCF-style: chr16-2086253-C-T. GRCh37 (hg19) VCF-style: chr16-2136254-C-T.
Other names: c.4522C>T, p.Leu1508= (NM_001077183.3); c.4654C>T, p.Leu1552= (NM_001114382.3); c.4414C>T, p.Leu1472= (NM_001318827.2); c.4378C>T, p.Leu1460= (NM_001318829.2); c.3991C>T, p.Leu1331= (NM_001318831.2); c.4555C>T, p.Leu1519= (NM_001318832.2); c.4525C>T, p.Leu1509= (NM_001363528.2); c.4591C>T, p.Leu1531= (NM_001370404.1); and 2 more.
Identifiers: ClinVar variation 1130990 (VCV001130990.12), dbSNP rs2151571611, ClinGen allele CA493043526.
Genomic context (GRCh38, chr16:2,086,253, plus strand): 5'-AGCAACAGCGAGCTCGCCATCCTGTCCAATGAGCATGGCTCCTACAGGTACACGGAGTTC[C>T]TGACGGGCCTGGGCCGGCTCATCGAGCTGAAGGACTGCCAGCCGGACAAGGTGTACCTGG-3'
Protein context (NP_000539.2, residues 1565-1585): EHGSYRYTEF[Leu1575=]TGLGRLIELK